The following is an entry in ClinVar:

NM_000528.4(MAN2B1):c.749C>T (p.Ala250Val)

Gene: MAN2B1 (mannosidase alpha class 2B member 1; minus strand). Cytogenetic location: 19p13.13.
Variant type: single nucleotide variant.
Coding change: c.749C>T on transcript NM_000528.4 (MANE Select); coding-DNA position 749, C replaced by T.
Protein change: p.Ala250Val; replaces alanine 250 with valine.
Molecular consequence: missense variant.
Genome position (GRCh38, 1-based): chr19:12,663,717, G>A on the plus strand (C>T on the coding strand, the complement: MAN2B1 is on the minus strand). VCF-style: chr19-12663717-G-A. GRCh37 (hg19) VCF-style: chr19-12774531-G-A.
Other names: c.749C>T, p.Ala250Val (NM_001173498.2); short protein forms A250V.
Identifiers: ClinVar variation 2186936 (VCV002186936.1), dbSNP rs570471233, ClinGen allele CA9226725.

ClinVar aggregate classification (germline): Uncertain significance (1 of 4 stars; one submission).

Conditions:
Deficiency of alpha-mannosidase (MANSA). Also called: LYSOSOMAL ALPHA-D-MANNOSIDASE DEFICIENCY; Alpha-Mannosidosis; Mannosidosis, alpha-, types I and II. Identifiers: Orphanet 61, MedGen C0024748, MONDO:0009561, OMIM 248500.

Allele frequency attached by ClinVar (database versions not stated): gnomAD exomes 0.00001; gnomAD 0.00004; TOPMed 0.00005; ExAC 0.00009.

Submission:

Labcorp Genetics (formerly Invitae), Labcorp
Classification: Uncertain significance for Deficiency of alpha-mannosidase. Last evaluated: 2022-10-25. Review status: criteria provided, single submitter. Criteria: Invitae Variant Classification Sherloc (09022015). Collection method: clinical testing. Allele origin: germline.
Comment: This sequence change replaces alanine, which is neutral and non-polar, with valine, which is neutral and non-polar, at codon 250 of the MAN2B1 protein (p.Ala250Val). This variant is present in population databases (rs570471233, gnomAD 0.01%). This variant has not been reported in the literature in individuals affected with MAN2B1-related conditions. Advanced modeling of protein sequence and biophysical properties (such as structural, functional, and spatial information, amino acid conservation, physicochemical variation, residue mobility, and thermodynamic stability) has been performed at Invitae for this missense variant, however the output from this modeling did not meet the statistical confidence thresholds required to predict the impact of this variant on MAN2B1 protein function. In summary, the available evidence is currently insufficient to determine the role of this variant in disease. Therefore, it has been classified as a Variant of Uncertain Significance.